The following is an entry in ClinVar:

NM_001378457.1(DMXL2):c.5492A>G (p.Lys1831Arg)

Gene: DMXL2 (Dmx like 2; minus strand). Cytogenetic location: 15q21.2.
Variant type: single nucleotide variant.
Coding change: c.5492A>G on transcript NM_001378457.1 (MANE Select); coding-DNA position 5492, A replaced by G.
Protein change: p.Lys1831Arg; replaces lysine 1831 with arginine.
Molecular consequence: missense variant. On other transcripts: non-coding transcript variant (2).
Genome position (GRCh38, 1-based): chr15:51,481,614, T>C on the plus strand (A>G on the coding strand, the complement: DMXL2 is on the minus strand). VCF-style: chr15-51481614-T-C. GRCh37 (hg19) VCF-style: chr15-51773811-T-C.
Other names: c.5492A>G, p.Lys1831Arg (NM_001174116.3, NM_001378458.1, NM_001378459.1 and 4 more transcripts); c.3584A>G, p.Lys1195Arg (NM_001174117.3); c.3473A>G, p.Lys1158Arg (NM_001378460.1); c.5252A>G, p.Lys1751Arg (NM_001378464.1); short protein forms K1158R, K1751R, K1195R, K1831R.
Identifiers: ClinVar variation 1953616 (VCV001953616.6), dbSNP rs1567009809, ClinGen allele CA392445722.

ClinVar aggregate classification (germline): Uncertain significance. Review status: criteria provided, multiple submitters, no conflicts (2 of 4 stars). 2 submissions from 2 submitters: Uncertain significance (2). Last evaluated 2024-03-29.

Conditions:
Polyendocrine-polyneuropathy syndrome (PEPNS). Identifiers: Orphanet 453533, MedGen C4015261, MONDO:0014497, OMIM 616113.

Allele frequency attached by ClinVar (database versions not stated): TOPMed below 0.00001; gnomAD exomes below 0.00001.
gnomAD v4.1: 4 of 1,550,132 alleles (0.00026%); highest among the groups gnomAD compares: Middle Eastern, 0.017%; no homozygotes.

Submissions (2):

Genomic Medicine Center of Excellence, King Faisal Specialist Hospital and Research Centre
Classification: Uncertain significance for Polyendocrine-polyneuropathy syndrome. Last evaluated: 2024-03-29. Review status: criteria provided, single submitter. Criteria: ACMG Guidelines, 2015. Collection method: clinical testing. Allele origin: germline.

Labcorp Genetics (formerly Invitae), Labcorp
Classification: Uncertain significance. Last evaluated: 2023-12-06. Review status: criteria provided, single submitter. Criteria: Invitae Variant Classification Sherloc (09022015). Collection method: clinical testing. Allele origin: germline.
Comment: This sequence change replaces lysine, which is basic and polar, with arginine, which is basic and polar, at codon 1831 of the DMXL2 protein (p.Lys1831Arg). This variant is present in population databases (no rsID available, gnomAD 0.007%). This variant has not been reported in the literature in individuals affected with DMXL2-related conditions. ClinVar contains an entry for this variant (Variation ID: 1953616). An algorithm developed to predict the effect of missense changes on protein structure and function (PolyPhen-2) suggests that this variant is likely to be tolerated. In summary, the available evidence is currently insufficient to determine the role of this variant in disease. Therefore, it has been classified as a Variant of Uncertain Significance.